The following is an entry in ClinVar:

NM_007294.4(BRCA1):c.3043G>T (p.Gly1015Ter)

Gene: BRCA1 (BRCA1 DNA repair associated; minus strand). Cytogenetic location: 17q21.31.
Variant type: single nucleotide variant.
Coding change: c.3043G>T on transcript NM_007294.4 (MANE Select); coding-DNA position 3043, G replaced by T.
Protein change: p.Gly1015Ter; replaces glycine 1015 with a stop codon.
Molecular consequence: nonsense. On other transcripts: intron variant (137).
Genome position (GRCh38, 1-based): chr17:43,092,488, C>A on the plus strand (G>T on the coding strand, the complement: BRCA1 is on the minus strand). VCF-style: chr17-43092488-C-A. GRCh37 (hg19) VCF-style: chr17-41244505-C-A.
Other names: c.3043G>T, p.Gly1015Ter (NM_007300.4, NM_001407581.1, NM_001407582.1 and 30 more transcripts); c.284-1456G>T (NM_001408512.1); c.647-1456G>T (NM_001408458.1, NM_001408469.1, NM_001408453.1 and 11 more transcripts); c.407-1456G>T (NM_001408510.1); c.3040G>T, p.Gly1014Ter (NM_001407587.1, NM_001407590.1, NM_001407591.1 and 22 more transcripts); c.3034G>T, p.Gly1012Ter (NM_001407646.1, NM_001407647.1); c.2920G>T, p.Gly974Ter (NM_001407648.1, NM_001407664.1, NM_001407665.1 and 19 more transcripts); c.2917G>T, p.Gly973Ter (NM_001407649.1, NM_001407670.1, NM_001407671.1 and 11 more transcripts); and 41 more; short protein forms G1012*, G1014*, G1015*, G719*, G847*, G887*, G888*, G903*.
Identifiers: ClinVar variation 3226129 (VCV003226129.1), dbSNP rs2154345642, ClinGen allele CA10595904.
Genomic context (GRCh38, chr17:43,092,488, plus strand): 5'-CATTTTCTCTAATGTTATTACGGCTAATTGTGCTCACTGTACTTGGAATGTTCTCATTTC[C>A]CATTTCTCTTTCAGGTGACATTGAATGTTCCTCAAAGTTTTCCTCTAGCAGATTTTTCTT-3'

ClinVar aggregate classification (germline): Pathogenic (1 of 4 stars; one submission).

Conditions:
Hereditary cancer-predisposing syndrome. Also called: Neoplastic Syndromes, Hereditary; Tumor predisposition; Hereditary neoplastic syndrome; Hereditary Cancer Syndrome. Identifiers: Orphanet 140162, MedGen C0027672, MeSH D009386, MONDO:0015356.

Submission:

Ambry Genetics
Classification: Pathogenic for Hereditary cancer-predisposing syndrome. Last evaluated: 2023-11-17. Review status: criteria provided, single submitter. Criteria: Ambry Variant Classification Scheme 2023. Collection method: clinical testing. Allele origin: germline.
Comment: The p.G1015* pathogenic mutation (also known as c.3043G>T), located in coding exon 9 of the BRCA1 gene, results from a G to T substitution at nucleotide position 3043. This changes the amino acid from a glycine to a stop codon within coding exon 9. This variant is considered to be rare based on population cohorts in the Genome Aggregation Database (gnomAD). This alteration is expected to result in loss of function by premature protein truncation or nonsense-mediated mRNA decay. As such, this alteration is interpreted as a disease-causing mutation.